The following is an entry in ClinVar:

ClinVar aggregate classification (germline): Uncertain significance (1 of 4 stars; one submission).

Conditions:
Arrhythmogenic cardiomyopathy with wooly hair and keratoderma. Also called: Carvajal syndrome; Dilated cardiomyopathy with woolly hair and keratoderma; Arrhythmogenic cardiomyopathy with woolly hair and keratoderma; PALMOPLANTAR KERATODERMA WITH LEFT VENTRICULAR CARDIOMYOPATHY AND WOOLLY HAIR. Identifiers: Orphanet 65282, MedGen C1854063, MONDO:0011581, OMIM 605676.
Arrhythmogenic right ventricular dysplasia 8 (ARVD8). Also called: ARRHYTHMOGENIC RIGHT VENTRICULAR DYSPLASIA, FAMILIAL, 8; ARRHYTHMOGENIC RIGHT VENTRICULAR CARDIOMYOPATHY 8; Arrhythmogenic Right Ventricular Dysplasia/Cardiomyopathy 8. Identifiers: MedGen C1843896, MONDO:0011831, OMIM 607450.

Submission:

Labcorp Genetics (formerly Invitae), Labcorp
Classification: Uncertain significance for Arrhythmogenic cardiomyopathy with wooly hair and keratoderma; Arrhythmogenic right ventricular dysplasia 8. Last evaluated: 2022-08-23. Review status: criteria provided, single submitter. Criteria: Invitae Variant Classification Sherloc (09022015). Collection method: clinical testing. Allele origin: germline.
Comment: This sequence change replaces lysine, which is basic and polar, with asparagine, which is neutral and polar, at codon 900 of the DSP protein (p.Lys900Asn). This variant is not present in population databases (gnomAD no frequency). In summary, the available evidence is currently insufficient to determine the role of this variant in disease. Therefore, it has been classified as a Variant of Uncertain Significance. This variant has not been reported in the literature in individuals affected with DSP-related conditions. Algorithms developed to predict the effect of missense changes on protein structure and function are either unavailable or do not agree on the potential impact of this missense change (SIFT: "Tolerated"; PolyPhen-2: "Probably Damaging"; Align-GVGD: "Class C0").

NM_004415.4(DSP):c.2700G>T (p.Lys900Asn)

Gene: DSP (desmoplakin; plus strand). Cytogenetic location: 6p24.3.
Variant type: single nucleotide variant.
Coding change: c.2700G>T on transcript NM_004415.4 (MANE Select); coding-DNA position 2700, G replaced by T.
Protein change: p.Lys900Asn; replaces lysine 900 with asparagine.
Molecular consequence: missense variant.
Genome position (GRCh38, 1-based): chr6:7,576,363, G>T. VCF-style: chr6-7576363-G-T. GRCh37 (hg19) VCF-style: chr6-7576596-G-T.
Other names: c.2700G>T, p.Lys900Asn (NM_001008844.3, NM_001319034.2); short protein forms K900N.
Identifiers: ClinVar variation 1717361 (VCV001717361.6), dbSNP rs2113686599, ClinGen allele CA362681939.